The following is an entry in ClinVar:

ClinVar aggregate classification (germline): Benign. Review status: criteria provided, single submitter (1 of 4 stars). 2 submissions from 2 submitters: Benign (1). 1 of the submissions does not count toward it. Last evaluated 2021-05-05.

Conditions:
PPIP5K2-related disorder. Also called: PPIP5K2-related condition.

Allele frequency attached by ClinVar (database versions not stated): 1000 Genomes Project 30x 0.01265; 1000 Genomes Project 0.01278; TOPMed 0.02625; gnomAD exomes 0.03030 and 0.04379; gnomAD 0.03065 and 0.03161; ExAC 0.03258; ESP Exome Variant Server 0.03452.
gnomAD v4.1: 68,087 of 1,610,884 alleles (4.2%); highest among the groups gnomAD compares: Non-Finnish European, 5%; 1,709 homozygotes.

Submissions (2):

GeneDx
Classification: Benign. Last evaluated: 2021-05-05. Review status: criteria provided, single submitter. Criteria: GeneDx Variant Classification (06012015). Collection method: clinical testing. Allele origin: germline. Affected: yes.
Comment: This variant is associated with the following publications: (PMID: 31118516, 24464100, 27398621)

PreventionGenetics, part of Exact Sciences
Classification: Benign for PPIP5K2-related condition. Last evaluated: 2019-11-11. Review status: no assertion criteria provided. Collection method: clinical testing. Allele origin: germline. Not counted in ClinVar's aggregate classification.
Comment: This variant is classified as benign based on ACMG/AMP sequence variant interpretation guidelines (Richards et al. 2015 PMID: 25741868, with internal and published modifications).

NM_001276277.3(PPIP5K2):c.3682A>G (p.Ser1228Gly)

Gene: PPIP5K2 (diphosphoinositol pentakisphosphate kinase 2; plus strand). Cytogenetic location: 5q21.1.
Variant type: single nucleotide variant.
Coding change: c.3682A>G on transcript NM_001276277.3 (MANE Select); coding-DNA position 3682, A replaced by G.
Protein change: p.Ser1228Gly; replaces serine 1228 with glycine.
Molecular consequence: missense variant.
Genome position (GRCh38, 1-based): chr5:103,201,584, A>G. VCF-style: chr5-103201584-A-G. GRCh37 (hg19) VCF-style: chr5-102537285-A-G.
Other names: c.3787A>G, p.Ser1263Gly (NM_001281471.3); c.3508A>G, p.Ser1170Gly (NM_001345871.2); c.3553A>G, p.Ser1185Gly (NM_001345872.2); c.3679A>G, p.Ser1227Gly (NM_001345873.2); c.3445A>G, p.Ser1149Gly (NM_001345874.2); c.3325A>G, p.Ser1109Gly (NM_001345875.2); c.3499A>G, p.Ser1167Gly (NM_001345876.2); c.3322A>G, p.Ser1108Gly (NM_001345877.2); and 3 more; short protein forms S1108G, S1109G, S1149G, S1166G, S1167G, S1170G, S1185G, S1207G.
Identifiers: ClinVar variation 1174257 (VCV001174257.3), dbSNP rs36046591, ClinGen allele CA3360784.